The following is an entry in ClinVar:

ClinVar aggregate classification (germline): Uncertain significance (0 of 4 stars; one submission).

Conditions:
BBS9-related disorder. Also called: BBS9-related condition.

Submission:

PreventionGenetics, part of Exact Sciences
Classification: Uncertain significance for BBS9-related condition. Last evaluated: 2024-05-29. Review status: no assertion criteria provided. Collection method: clinical testing. Allele origin: germline.
Comment: The BBS9 c.2712_2715delGGGA variant is predicted to result in a frameshift and premature protein termination (p.Glu904Aspfs*180). To our knowledge, this variant has not been reported in the literature or in a large population database, indicating this variant is rare. This variant is post-coding in canonical transcript NM_198428.3. At this time, the clinical significance of this variant is uncertain due to the absence of conclusive functional and genetic evidence.

NM_001348041.4(BBS9):c.2712_2715del (p.Glu904fs)

Gene: BBS9 (Bardet-Biedl syndrome 9; plus strand). Cytogenetic location: 7p14.3.
Variant type: Deletion.
Coding change: c.2712_2715del on transcript NM_001348041.4; coding-DNA positions 2712 to 2715, 4 bases deleted (GGGA; older notation c.2712_2715delGGGA).
Protein change: p.Glu904fs; shifts the reading frame from glutamic acid 904.
Molecular consequence: frameshift variant.
Genome position (GRCh38, 1-based): chr7:33,635,256-33,635,259, GGGA deleted; deleting any 4 consecutive bases within chr7:33,635,253-33,635,259 gives the same sequence; the c. name uses the placement nearest the transcript's 3' end. VCF-style (leftmost placement, unchanged base first): chr7-33635252-TGGAG-T. GRCh37 (hg19) VCF-style: chr7-33674864-TGGAG-T.
Other names: c.2601_2604del, p.Glu867fs (NM_001362679.1); short protein forms E867fs, E904fs.
Identifiers: ClinVar variation 3358795 (VCV003358795.1).
Genomic context (GRCh38, chr7:33,635,252, plus strand): 5'-AGAGGATCGAGGCCTGGACCCTAAGAATACCCCACTCCCTGAGCCAGCATCTCCAGCTGA[TGGAG>T]GGACCCAAAAGCTAAGCGGGGTCAATCAGACACCTTCCCTGGGATGGTTAAAACTGGGAC-3'